The following is an entry in ClinVar:

NM_006493.4(CLN5):c.936del (p.Phe312fs)

Gene: CLN5 (CLN5 lysosomal BMP synthase; plus strand). Cytogenetic location: 13q22.3.
Variant type: Deletion.
Coding change: c.936del on transcript NM_006493.4 (MANE Select); coding-DNA position 936, one base deleted (T; older notation c.936delT).
Protein change: p.Phe312fs; shifts the reading frame from phenylalanine 312.
Molecular consequence: frameshift variant. On other transcripts: 3 prime UTR variant (1).
Genome position (GRCh38, 1-based): chr13:77,000,828, T deleted; the last of 5 consecutive T bases (chr13:77,000,824-77,000,828); deleting any one gives the same sequence. VCF-style (leftmost placement, unchanged base first): chr13-77000823-AT-A. GRCh37 (hg19) VCF-style: chr13-77574958-AT-A.
Other names: c.*385del (NM_001366624.2); c.1083del (LRG_692t1); c.936delT (NM_006493.4); short protein forms F312fs.
Identifiers: ClinVar variation 56528 (VCV000056528.15), dbSNP rs386833966, ClinGen allele CA263878.

ClinVar aggregate classification (germline): Pathogenic/Likely pathogenic. Review status: criteria provided, multiple submitters, no conflicts (2 of 4 stars). 6 submissions from 6 submitters: Pathogenic (4); Likely pathogenic (1). 1 of the submissions does not count toward it. Last evaluated 2025-05-21.

Conditions:
Neuronal ceroid lipofuscinosis. Also called: Neuronal Ceroid Lipofuscinoses. Identifiers: Orphanet 216, Orphanet 79263, MedGen C0027877, MONDO:0016295. Disease mechanism: loss of function.
Neuronal ceroid lipofuscinosis 5 (CLN5). Also called: CEROID LIPOFUSCINOSIS, NEURONAL, 5, VARIABLE AGE AT ONSET; Neuronal ceroid lipofuscinosis Finnish variant; NEURONAL CEROID LIPOFUSCINOSIS, LATE INFANTILE, FINNISH VARIANT; CLN5-Related Neuronal Ceroid-Lipofuscinosis. Identifiers: Orphanet 168491, Orphanet 228360, MedGen C1850442, MONDO:0009745, OMIM 256731.

Submissions (6):

Natera, Inc.
Classification: Likely pathogenic for Neuronal ceroid lipofuscinosis. Last evaluated: 2025-05-21. Review status: criteria provided, single submitter. Criteria: Natera Variant Classification Schema (03/2026). Collection method: clinical testing. Allele origin: germline.
Comment: The c.1083delT variant in CLN5 is a frameshift variant predicted to shift the reading frame beginning at codon 361 and leads to a stop codon 4 codons downstream. This variant is expected to result in nonsense mediated decay, truncation, or a dysfunctional protein product. This variant is rare in the general population with a frequency below the threshold expected for the associated phenotype(s). Given the available evidence, this variant is classified as Likely Pathogenic.

Labcorp Genetics (formerly Invitae), Labcorp
Classification: Pathogenic for Neuronal ceroid lipofuscinosis. Last evaluated: 2024-02-17. Review status: criteria provided, single submitter. Criteria: Invitae Variant Classification Sherloc (09022015). Collection method: clinical testing. Allele origin: germline.
Comment: This sequence change creates a premature translational stop signal (p.Phe361Leufs*4) in the CLN5 gene. While this is not anticipated to result in nonsense mediated decay, it is expected to disrupt the last 47 amino acid(s) of the CLN5 protein. This variant is present in population databases (rs386833966, gnomAD 0.01%). This premature translational stop signal has been observed in individual(s) with neuronal ceroid lipofuscinosis (NCL) (PMID: 20157158). ClinVar contains an entry for this variant (Variation ID: 56528). Experimental studies and prediction algorithms are not available or were not evaluated, and the functional significance of this variant is currently unknown. This variant disrupts a region of the CLN5 protein in which other variant(s) (p.Tyr392*) have been determined to be pathogenic (PMID: 9662406, 11971870, 20052765, 24038957, 24058541). This suggests that this is a clinically significant region of the protein, and that variants that disrupt it are likely to be disease-causing. For these reasons, this variant has been classified as Pathogenic.

Baylor Genetics
Classification: Pathogenic for Neuronal ceroid lipofuscinosis 5. Last evaluated: 2023-07-21. Review status: criteria provided, single submitter. Criteria: ACMG Guidelines, 2015. Collection method: clinical testing. Allele origin: unknown.

Women's Health and Genetics/Laboratory Corporation of America, LabCorp
Classification: Pathogenic for Neuronal ceroid lipofuscinosis. Last evaluated: 2022-07-13. Review status: criteria provided, single submitter. Criteria: LabCorp Variant Classification Summary - May 2015. Collection method: clinical testing. Allele origin: germline.
Comment: Variant summary: CLN5 c.936delT (p.Phe312LeufsX4) results in a premature termination codon, predicted to cause a truncation of the encoded protein or absence of the protein due to nonsense mediated decay, which are commonly known mechanisms for disease. Truncations downstream of this position have been classified as pathogenic by our laboratory. The variant allele was found at a frequency of 1.2e-05 in 246982 control chromosomes. c.1083delT has been reported in the literature as a homozygous genotype in at-least one individual affected with Neuronal Ceroid-Lipofuscinosis (Batten Disease) and has been subsequently cited by others (example, Xin_2010, Ge_2018, Kousi_2012, Luo_2020). To our knowledge, no experimental evidence demonstrating an impact on protein function has been reported. Two other clinical diagnostic laboratories have submitted clinical-significance assessments for this variant to ClinVar after 2014 without evidence for independent evaluation. Both laboratories classified the variant as pathogenic. Based on the evidence outlined above, the variant was classified as pathogenic.

Genome-Nilou Lab
Classification: Pathogenic for Neuronal ceroid lipofuscinosis 5. Last evaluated: 2021-08-10. Review status: criteria provided, single submitter. Criteria: ACMG Guidelines, 2015. Collection method: clinical testing. Allele origin: germline. Affected: no.

Juha Muilu Group; Institute for Molecular Medicine Finland (FIMM)
Classification: Likely pathogenic for Ceroid lipofuscinosis neuronal 5. Review status: no assertion criteria provided. Collection method: not provided. Allele origin: unknown. Not counted in ClinVar's aggregate classification.
Comment: FinDis database variant: This variant was not found or characterized by our laboratory, data were collected from public sources: see reference
ClinVar note: Converted during submission from probable-pathogenic to Likely pathogenic.

Literature cited by the submitters: PubMed 20157158 (cited by Labcorp Genetics (formerly Invitae), Labcorp and Women's Health and Genetics/Laboratory Corporation of America, LabCorp); PubMed 9662406 (cited by Labcorp Genetics (formerly Invitae), Labcorp); PubMed 11971870 (cited by Labcorp Genetics (formerly Invitae), Labcorp); PubMed 20052765 (cited by Labcorp Genetics (formerly Invitae), Labcorp); PubMed 24038957 (cited by Labcorp Genetics (formerly Invitae), Labcorp); PubMed 24058541 (cited by Labcorp Genetics (formerly Invitae), Labcorp); PubMed 21990111 (cited by Women's Health and Genetics/Laboratory Corporation of America, LabCorp); PubMed 30264640 (cited by Women's Health and Genetics/Laboratory Corporation of America, LabCorp); PubMed 32983231 (cited by Women's Health and Genetics/Laboratory Corporation of America, LabCorp).